The following is an entry in ClinVar:

NM_001220500.2(FCER2):c.228T>G (p.Gly76=)

Gene: FCER2 (Fc epsilon receptor II; minus strand). Cytogenetic location: 19p13.2.
Variant type: single nucleotide variant.
Coding change: c.228T>G on transcript NM_001220500.2 (MANE Select); coding-DNA position 228, T replaced by G.
Protein change: p.Gly76=; no amino-acid change (glycine 76 retained).
Molecular consequence: synonymous variant.
Genome position (GRCh38, 1-based): chr19:7,697,552, A>C on the plus strand (T>G on the coding strand, the complement: FCER2 is on the minus strand). VCF-style: chr19-7697552-A-C. GRCh37 (hg19) VCF-style: chr19-7762438-A-C.
Other names: c.225T>G, p.Gly75= (NM_001207019.3); c.228T>G, p.Gly76= (NM_002002.5).
Identifiers: ClinVar variation 2649171 (VCV002649171.24), dbSNP rs2033049640, ClinGen allele CA505230899.

ClinVar aggregate classification (germline): Likely benign (1 of 4 stars; one submission).

Submission:

CeGaT Center for Human Genetics Tuebingen
Classification: Likely benign. Last evaluated: 2023-06-01. Review status: criteria provided, single submitter. Criteria: CeGaT Center For Human Genetics Tuebingen Variant Classification Criteria Version 2. Collection method: clinical testing. Allele origin: germline. Affected: yes. Observed: 1 variant allele.
Comment: FCER2: PM2:Supporting, BP4, BP7